The following is an entry in ClinVar:

ClinVar aggregate classification (germline): Benign (1 of 4 stars; one submission).

Allele frequency attached by ClinVar (database versions not stated): gnomAD 0.30476 and 0.30634; TOPMed 0.31236; 1000 Genomes Project 0.33067; 1000 Genomes Project 30x 0.33417.
gnomAD v4.1: 46,229 of 151,622 alleles (30%); highest among the groups gnomAD compares: African/African-American, 41%; 7,598 homozygotes.

Submission:

GeneDx
Classification: Benign. Last evaluated: 2018-06-19. Review status: criteria provided, single submitter. Criteria: GeneDx Variant Classification (06012015). Collection method: clinical testing. Allele origin: germline. Affected: yes.
Comment: This variant is considered likely benign or benign based on one or more of the following criteria: it is a conservative change, it occurs at a poorly conserved position in the protein, it is predicted to be benign by multiple in silico algorithms, and/or has population frequency not consistent with disease.

NM_201596.3(CACNB2):c.945-281T>C

Gene: CACNB2 (calcium voltage-gated channel auxiliary subunit beta 2; plus strand). Cytogenetic location: 10p12.31.
Variant type: single nucleotide variant.
Coding change: c.945-281T>C on transcript NM_201596.3 (MANE Select); 281 bases into the intron before coding-DNA position 945, T replaced by C.
Molecular consequence: intron variant.
Genome position (GRCh38, 1-based): chr10:18,527,307, T>C. VCF-style: chr10-18527307-T-C. GRCh37 (hg19) VCF-style: chr10-18816236-T-C.
Other names: c.861-281T>C (NM_201571.4); c.747-281T>C (NM_001167945.2); c.789-281T>C (NM_201572.4); c.831-281T>C (NM_201593.3); c.873-281T>C (NM_201597.3); c.780-281T>C (NM_000724.4); c.666-281T>C (NM_001330060.2); c.783-281T>C (NM_201590.3); and 1 more.
Identifiers: ClinVar variation 683296 (VCV000683296.1), dbSNP rs4748482, ClinGen allele CA13146316.